The following is an entry in ClinVar:

ClinVar aggregate classification (germline): Uncertain significance (1 of 4 stars; one submission).

Conditions:
Axenfeld-Rieger syndrome type 3 (RIEG3). Also called: AXENFELD-RIEGER ANOMALY WITH CARDIAC DEFECTS AND/OR SENSORINEURAL HEARING LOSS. Identifiers: Orphanet 782, MedGen C2678503, MONDO:0011233, OMIM 602482.

Submission:

Labcorp Genetics (formerly Invitae), Labcorp
Classification: Uncertain significance for Axenfeld-Rieger syndrome type 3. Last evaluated: 2023-10-05. Review status: criteria provided, single submitter. Criteria: Invitae Variant Classification Sherloc (09022015). Collection method: clinical testing. Allele origin: germline.
Comment: This sequence change affects codon 43 of the FOXC1 mRNA. It is a 'silent' change, meaning that it does not change the encoded amino acid sequence of the FOXC1 protein. This variant is not present in population databases (gnomAD no frequency). This variant has not been reported in the literature in individuals affected with FOXC1-related conditions. In summary, the available evidence is currently insufficient to determine the role of this variant in disease. Therefore, it has been classified as a Variant of Uncertain Significance.

NM_001453.3(FOXC1):c.129C>T (p.Pro43=)

Gene: FOXC1 (forkhead box C1; plus strand). Cytogenetic location: 6p25.3.
Variant type: single nucleotide variant.
Coding change: c.129C>T on transcript NM_001453.3 (MANE Select); coding-DNA position 129, C replaced by T.
Protein change: p.Pro43=; no amino-acid change (proline 43 retained).
Molecular consequence: synonymous variant.
Genome position (GRCh38, 1-based): chr6:1,610,574, C>T. VCF-style: chr6-1610574-C-T. GRCh37 (hg19) VCF-style: chr6-1610809-C-T.
Identifiers: ClinVar variation 2822575 (VCV002822575.3), dbSNP rs1581373530, ClinGen allele CA448393490.